The following is an entry in ClinVar:

ClinVar aggregate classification (germline): Conflicting classifications of pathogenicity. Review status: criteria provided, conflicting classifications (1 of 4 stars). 9 submissions from 8 submitters: Uncertain significance (1); Benign (1); Likely benign (7). Last evaluated 2026-06-26.

Conditions:
MEN1-related disorder. Also called: MEN1-related condition.
Hyperparathyroidism. Identifiers: MedGen C0020502, MONDO:0001741, HP:0000843.
Hereditary cancer-predisposing syndrome. Also called: Neoplastic Syndromes, Hereditary; Tumor predisposition; Hereditary Cancer Syndrome; Hereditary neoplastic syndrome. Identifiers: Orphanet 140162, MedGen C0027672, MeSH D009386, MONDO:0015356.
Multiple endocrine neoplasia, type 1 (MEN1). Also called: MEN I; WERMER SYNDROME; Endocrine adenomatosis multiple; MEN 1; MEA I. Identifiers: Orphanet 652, MedGen C0025267, MeSH D018761, MONDO:0007540, OMIM 131100.

Allele frequency attached by ClinVar (database versions not stated): ExAC 0.00002; gnomAD exomes 0.00002 and 0.00003; gnomAD 0.00003 and 0.00004; TOPMed 0.00004.
gnomAD v4.1: 49 of 1,613,992 alleles (0.003%); highest among the groups gnomAD compares: Middle Eastern, 0.016%; no homozygotes.

Submissions (9):

PreventionGenetics, part of Exact Sciences
Classification: Likely benign for MEN1-related condition. Last evaluated: 2026-06-26. Review status: criteria provided, single submitter. Criteria: ACMG Guidelines, 2015. Collection method: clinical testing. Allele origin: germline.
Comment: This variant is classified as likely benign based on ACMG/AMP sequence variant interpretation guidelines (Richards et al. 2015 PMID: 25741868, with internal and published modifications).

Labcorp Genetics (formerly Invitae), Labcorp
Classification: Likely benign for Multiple endocrine neoplasia, type 1. Last evaluated: 2025-12-17. Review status: criteria provided, single submitter. Criteria: Invitae Variant Classification Sherloc (09022015). Collection method: clinical testing. Allele origin: germline.

Myriad Genetics, Inc.
Classification: Benign for Multiple endocrine neoplasia, type 1. Last evaluated: 2024-11-01. Review status: criteria provided, single submitter. Criteria: Myriad Autosomal Dominant, Autosomal Recessive and X-Linked Classification Criteria (2023). Collection method: clinical testing. Allele origin: unknown.
Comment: This variant is considered benign. This variant is a silent/synonymous amino acid change and it is not expected to impact splicing.

Blueprint Genetics
Classification: Likely benign. Last evaluated: 2024-10-23. Review status: criteria provided, single submitter. Criteria: ACMG Guidelines, 2015. Collection method: clinical testing. Allele origin: germline.

Color Diagnostics, LLC DBA Color Health
Classification: Likely benign for Multiple endocrine neoplasia, type 1. Last evaluated: 2022-11-06. Review status: criteria provided, single submitter. Criteria: ACMG Guidelines, 2015. Collection method: clinical testing. Allele origin: germline.

GeneDx
Classification: Likely benign. Last evaluated: 2018-05-25. Review status: criteria provided, single submitter. Criteria: GeneDx Variant Classification (06012015). Collection method: clinical testing. Allele origin: germline. Affected: yes.
Comment: This variant is considered likely benign or benign based on one or more of the following criteria: it is a conservative change, it occurs at a poorly conserved position in the protein, it is predicted to be benign by multiple in silico algorithms, and/or has population frequency not consistent with disease.

Illumina Laboratory Services, Illumina
Classification: Likely benign for Multiple endocrine neoplasia, type 1. Last evaluated: 2018-01-13. Review status: criteria provided, single submitter. Criteria: ICSL Variant Classification Criteria 13 December 2019. Collection method: clinical testing. Allele origin: germline.
Comment: This variant was observed in the ICSL laboratory as part of a predisposition screen in an ostensibly healthy population. It had not been previously curated by ICSL or reported in the Human Gene Mutation Database (HGMD: prior to June 1st, 2018), and was therefore a candidate for classification through an automated scoring system. Utilizing variant allele frequency, disease prevalence and penetrance estimates, and inheritance mode, an automated score was calculated to assess if this variant is too frequent to cause the disease. Based on the score and internal cut-off values, a variant classified as likely benign is not then subjected to further curation. The score for this variant resulted in a classification of likely benign for this disease.

Illumina Laboratory Services, Illumina
Classification: Uncertain significance for Hyperparathyroidism. Last evaluated: 2018-01-13. Review status: criteria provided, single submitter. Criteria: ICSL Variant Classification Criteria 13 December 2019. Collection method: clinical testing. Allele origin: germline.

Ambry Genetics
Classification: Likely benign for Hereditary cancer-predisposing syndrome. Last evaluated: 2016-11-08. Review status: criteria provided, single submitter. Criteria: Ambry Variant Classification Scheme 2023. Collection method: clinical testing. Allele origin: germline.

NM_001370259.2(MEN1):c.753C>T (p.Thr251=)

Gene: MEN1 (menin 1; minus strand). Cytogenetic location: 11q13.1.
Variant type: single nucleotide variant.
Coding change: c.753C>T on transcript NM_001370259.2 (MANE Select); coding-DNA position 753, C replaced by T.
Protein change: p.Thr251=; no amino-acid change (threonine 251 retained).
Molecular consequence: synonymous variant.
Genome position (GRCh38, 1-based): chr11:64,807,582, G>A on the plus strand (C>T on the coding strand, the complement: MEN1 is on the minus strand). VCF-style: chr11-64807582-G-A. GRCh37 (hg19) VCF-style: chr11-64575054-G-A.
Other names: c.768C>T, p.Thr256= (NM_000244.4, NM_130800.3, NM_130801.3 and 3 more transcripts); c.753C>T, p.Thr251= (NM_001370251.2, NM_001370260.2, NM_001370261.2 and 1 more transcripts); c.648C>T, p.Thr216= (NM_001370262.2, NM_001370263.2).
Identifiers: ClinVar variation 412561 (VCV000412561.24), dbSNP rs763326062, ClinGen allele CA061487.
Genomic context (GRCh38, chr11:64,807,582, plus strand): 5'-CCAGTCCTGCCCCATTGGCTCAGCCCTCACCTGCTGCAGCTGCAGAAGCTCCAGCGAGTC[G>A]GTGTGCAGGTCAATGGAAGGGTTGATGGCACACACCATGAACGCCACCTCCATCTTGCGG-3'
Protein context (NP_001357188.2, residues 241-261): CAINPSIDLH[Thr251=]DSLELLQLQQ